The following is an entry in ClinVar:

ClinVar aggregate classification (germline): Uncertain significance (1 of 4 stars; one submission).

Conditions:
Gastrointestinal stromal tumor. Also called: Gastrointestinal stromal tumor, somatic; Gastrointestinal stroma tumor. Identifiers: Orphanet 44890, MedGen C0238198, MeSH D046152, MONDO:0011719, OMIM 606764, HP:0100723.

gnomAD v4.1: 1 of 1,613,848 alleles (0.000062%); highest among the groups gnomAD compares: Middle Eastern, 0.016%; no homozygotes.

Submission:

Labcorp Genetics (formerly Invitae), Labcorp
Classification: Uncertain significance for Gastrointestinal stromal tumor. Last evaluated: 2025-12-28. Review status: criteria provided, single submitter. Criteria: Invitae Variant Classification Sherloc (09022015). Collection method: clinical testing. Allele origin: germline.
Comment: This sequence change replaces methionine, which is neutral and non-polar, with valine, which is neutral and non-polar, at codon 622 of the PDGFRA protein (p.Met622Val). This variant is not present in population databases (gnomAD no frequency). This variant has not been reported in the literature in individuals affected with PDGFRA-related conditions. ClinVar contains an entry for this variant (Variation ID: 3707283). Invitae Evidence Modeling of protein sequence and biophysical properties (such as structural, functional, and spatial information, amino acid conservation, physicochemical variation, residue mobility, and thermodynamic stability) indicates that this missense variant is not expected to disrupt PDGFRA protein function with a negative predictive value of 80%. In summary, the available evidence is currently insufficient to determine the role of this variant in disease. Therefore, it has been classified as a Variant of Uncertain Significance.

NM_006206.6(PDGFRA):c.1864A>G (p.Met622Val)

Gene: PDGFRA (platelet derived growth factor receptor alpha; plus strand). Cytogenetic location: 4q12.
Variant type: single nucleotide variant.
Coding change: c.1864A>G on transcript NM_006206.6 (MANE Select); coding-DNA position 1864, A replaced by G.
Protein change: p.Met622Val; replaces methionine 622 with valine.
Molecular consequence: missense variant.
Genome position (GRCh38, 1-based): chr4:54,277,465, A>G. VCF-style: chr4-54277465-A-G. GRCh37 (hg19) VCF-style: chr4-55143632-A-G.
Other names: c.1864A>G, p.Met622Val (NM_001347827.2, NM_001347829.2); c.1939A>G, p.Met647Val (NM_001347828.2); c.1903A>G, p.Met635Val (NM_001347830.2); short protein forms M622V, M635V, M647V.
Identifiers: ClinVar variation 3707283 (VCV003707283.2).